The following is an entry in ClinVar:

NM_001206927.2(DNAH8):c.11902G>A (p.Gly3968Ser)

Genes: DNAH8 (dynein axonemal heavy chain 8; plus strand), DNAH8-AS1 (DNAH8 antisense RNA 1; minus strand). Cytogenetic location: 6p21.2.
Variant type: single nucleotide variant.
Coding change: c.11902G>A on transcript NM_001206927.2 (MANE Select); coding-DNA position 11902, G replaced by A.
Protein change: p.Gly3968Ser; replaces glycine 3968 with serine.
Molecular consequence: missense variant.
Genome position (GRCh38, 1-based): chr6:38,938,883, G>A. VCF-style: chr6-38938883-G-A. GRCh37 (hg19) VCF-style: chr6-38906659-G-A.
Other names: c.11251G>A, p.Gly3751Ser (NM_001371.4); short protein forms G3968S, G3751S.
Identifiers: ClinVar variation 454542 (VCV000454542.7), dbSNP rs533107744, ClinGen allele CA3791213.
Genomic context (GRCh38, chr6:38,938,883, plus strand): 5'-AAGAGAATTACAAATATTATCGAGTACCTGACATATGAAGTTTTTACATACTCTGTCAGA[G>A]GCCTATACGAAAACCACAAATTCCTGTTTGTACTCCTCATGACCTTAAAGATTGACCTTC-3'
Protein context (NP_001193856.1, residues 3958-3978): TYEVFTYSVR[Gly3968Ser]LYENHKFLFV

ClinVar aggregate classification (germline): Uncertain significance. Review status: criteria provided, multiple submitters, no conflicts (2 of 4 stars). 2 submissions from 2 submitters: Uncertain significance (2). Last evaluated 2022-06-17.

Conditions:
Primary ciliary dyskinesia. Also called: Ciliary dyskinesia. Identifiers: Orphanet 244, MedGen C0008780, MONDO:0016575, HP:0012265.

Allele frequency attached by ClinVar (database versions not stated): 1000 Genomes Project 0.00020; 1000 Genomes Project 30x 0.00031; gnomAD exomes below 0.00001 and 0.00001; ExAC 0.00002; TOPMed 0.00005; gnomAD 0.00006 and 0.00007.
gnomAD v4.1: 14 of 1,613,154 alleles (0.00087%); highest among the groups gnomAD compares: African/African-American, 0.017%; no homozygotes.

Submissions (2):

Ambry Genetics
Classification: Uncertain significance. Last evaluated: 2022-06-17. Review status: criteria provided, single submitter. Criteria: Ambry Variant Classification Scheme 2023. Collection method: clinical testing. Allele origin: germline.

Labcorp Genetics (formerly Invitae), Labcorp
Classification: Uncertain significance for Primary ciliary dyskinesia. Last evaluated: 2021-09-01. Review status: criteria provided, single submitter. Criteria: Invitae Variant Classification Sherloc (09022015). Collection method: clinical testing. Allele origin: germline.
Comment: This sequence change replaces glycine with serine at codon 3968 of the DNAH8 protein (p.Gly3968Ser). The glycine residue is highly conserved and there is a small physicochemical difference between glycine and serine. This variant is present in population databases (rs533107744, ExAC 0.02%). This variant has not been reported in the literature in individuals affected with DNAH8-related conditions. Algorithms developed to predict the effect of missense changes on protein structure and function (SIFT, PolyPhen-2, Align-GVGD) all suggest that this variant is likely to be disruptive. Algorithms developed to predict the effect of sequence changes on RNA splicing suggest that this variant may create or strengthen a splice site. In summary, the available evidence is currently insufficient to determine the role of this variant in disease. Therefore, it has been classified as a Variant of Uncertain Significance.